The following is an entry in ClinVar:

NM_145200.5(CABP4):c.201G>A (p.Pro67=)

Gene: CABP4 (calcium binding protein 4; plus strand). Cytogenetic location: 11q13.2.
Variant type: single nucleotide variant.
Coding change: c.201G>A on transcript NM_145200.5 (MANE Select); coding-DNA position 201, G replaced by A.
Protein change: p.Pro67=; no amino-acid change (proline 67 retained).
Molecular consequence: synonymous variant. On other transcripts: 5 prime UTR variant (2), non-coding transcript variant (1), intron variant (1).
Genome position (GRCh38, 1-based): chr11:67,455,624, G>A. VCF-style: chr11-67455624-G-A. GRCh37 (hg19) VCF-style: chr11-67223095-G-A.
Other names: c.-183G>A (NM_001300895.3); c.-197G>A (NM_001379183.1); c.-112-85G>A (NM_001300896.3); c.201G>A (NM_145200.3).
Identifiers: ClinVar variation 1604054 (VCV001604054.10), dbSNP rs542905066, ClinGen allele CA6140089.

ClinVar aggregate classification (germline): Likely benign. Review status: criteria provided, multiple submitters, no conflicts (2 of 4 stars). 3 submissions from 3 submitters: Likely benign (3). Last evaluated 2026-06-23.

Conditions:
CABP4-related disorder. Also called: CABP4-related condition.

Allele frequency attached by ClinVar (database versions not stated): gnomAD exomes 0.00001 and 0.00003; ExAC 0.00002; TOPMed 0.00005; 1000 Genomes Project 30x 0.00016; 1000 Genomes Project 0.00020.

Submissions (3):

PreventionGenetics, part of Exact Sciences
Classification: Likely benign for CABP4-related condition. Last evaluated: 2026-06-23. Review status: criteria provided, single submitter. Criteria: ACMG Guidelines, 2015. Collection method: clinical testing. Allele origin: germline.
Comment: This variant is classified as likely benign based on ACMG/AMP sequence variant interpretation guidelines (Richards et al. 2015 PMID: 25741868, with internal and published modifications).

Labcorp Genetics (formerly Invitae), Labcorp
Classification: Likely benign. Last evaluated: 2022-03-02. Review status: criteria provided, single submitter. Criteria: Invitae Variant Classification Sherloc (09022015). Collection method: clinical testing. Allele origin: germline.

Blueprint Genetics
Classification: Likely benign. Last evaluated: 2020-09-14. Review status: criteria provided, single submitter. Criteria: ACMG Guidelines, 2015. Collection method: clinical testing. Allele origin: germline.